The following is an entry in ClinVar:

NM_001172509.2(SATB2):c.287T>G (p.Leu96Arg)

Gene: SATB2 (SATB homeobox 2; minus strand). Cytogenetic location: 2q33.1.
Variant type: single nucleotide variant.
Coding change: c.287T>G on transcript NM_001172509.2 (MANE Select); coding-DNA position 287, T replaced by G.
Protein change: p.Leu96Arg; replaces leucine 96 with arginine.
Molecular consequence: missense variant. On other transcripts: non-coding transcript variant (1).
Genome position (GRCh38, 1-based): chr2:199,433,397, A>C on the plus strand (T>G on the coding strand, the complement: SATB2 is on the minus strand). VCF-style: chr2-199433397-A-C. GRCh37 (hg19) VCF-style: chr2-200298120-A-C.
Other names: c.287T>G, p.Leu96Arg (NM_001172517.1, NM_015265.4); short protein forms L96R.
Identifiers: ClinVar variation 421610 (VCV000421610.2), dbSNP rs1064795247, ClinGen allele CA16617413.
Genomic context (GRCh38, chr2:199,433,397, plus strand): 5'-CCTTGGGCCTGGGCCGCAGAGCTGTGAGAATACCCCAGGGCCAGGAGCGCAGTCTCCACC[A>C]GCTGGCTAAAAAGCACATCTTTCCGCACCAGGACAAACTCGGCGTGTTCTTCTCTGTTGT-3'
Protein context (NP_001165980.1, residues 86-106): LVRKDVLFSQ[Leu96Arg]VETALLALGY

ClinVar aggregate classification (germline): Likely pathogenic (1 of 4 stars; one submission).

Submission:

GeneDx
Classification: Likely pathogenic. Last evaluated: 2016-07-05. Review status: criteria provided, single submitter. Criteria: GeneDx Variant Classification (06012015). Collection method: clinical testing. Allele origin: germline. Affected: yes.
Comment: The L96R variant in the SATB2 gene has not been reported previously as a pathogenic variant, nor as a benign variant, to our knowledge. The L96R variant was not observed in approximately 6,500 individuals of European and African American ancestry in the NHLBI Exome Sequencing Project, indicating it is not a common benign variant in these populations. The L96R variant is a non-conservative amino acid substitution, which is likely to impact secondary protein structure as these residues differ in polarity, charge, size and/or other properties. This substitution occurs at a position that is conserved across species, and in silico analysis predicts this variant is probably damaging to the protein structure/function. The L96R variant is a strong candidate for a pathogenic variant